The following is an entry in ClinVar:

NC_012920.1(MT-ND1):m.4084G>A

Gene: MT-ND1 (mitochondrially encoded NADH dehydrogenase 1; plus strand).
Variant type: single nucleotide variant.
Genome position: chrM-4084-G-A.
Identifiers: ClinVar variation 692421 (VCV000692421.1), dbSNP rs1603219293, ClinGen allele CA414774152.

ClinVar aggregate classification (germline): Likely benign (1 of 4 stars; one submission).

Conditions:
Leigh syndrome (NULS). Also called: Leigh's necrotizing encephalopathy; Leigh's disease; Leigh Syndrome (mtDNA deletion); Leigh Disease; Subacute necrotizing encephalopathy; Necrotizing encephalopathy infantile subacute of Leigh. Identifiers: Orphanet 506, MedGen C2931891, MONDO:0009723, OMIM 256000.

Submission:

Wong Mito Lab, Molecular and Human Genetics, Baylor College of Medicine
Classification: Likely benign for Leigh syndrome. Last evaluated: 2019-10-17. Review status: criteria provided, single submitter. Criteria: Modified ACMG Guidelines (Unpublished). Collection method: clinical testing. Allele origin: germline.
Comment: The NC_012920.1:m.4084G>A (YP_003024026.1:p.Val260Ile) variant in MTND1 gene is interpretated to be a Likely Benign variant based on the modified ACMG guidelines (unpublished). This variant meets the following evidence codes: BS1, BP4